The following is an entry in ClinVar:

ClinVar aggregate classification (germline): Pathogenic (1 of 4 stars; one submission).

Conditions:
Tatton-Brown-Rahman overgrowth syndrome. Also called: Tall stature-intellectual disability-facial dysmorphism syndrome; Tatton-Brown-Rahman syndrome. Identifiers: Orphanet 404443, MedGen C4014545, MONDO:0014382, OMIM 615879.

Submission:

Labcorp Genetics (formerly Invitae), Labcorp
Classification: Pathogenic for Tatton-Brown-rahman syndrome. Last evaluated: 2018-05-30. Review status: criteria provided, single submitter. Criteria: Invitae Variant Classification Sherloc (09022015). Collection method: clinical testing. Allele origin: germline.
Comment: This sequence change creates a premature translational stop signal (p.Gln415Serfs*236) in the DNMT3A gene. It is expected to result in an absent or disrupted protein product. This variant is not present in population databases (ExAC no frequency). This variant has not been reported in the literature in individuals with DNMT3A-related disease. Loss-of-function variants in DNMT3A are known to be pathogenic (PMID: 24614070). For these reasons, this variant has been classified as Pathogenic.

NM_022552.5(DNMT3A):c.1243del (p.Gln415fs)

Gene: DNMT3A (DNA methyltransferase 3 alpha; minus strand). Cytogenetic location: 2p23.3.
Variant type: Deletion.
Coding change: c.1243del on transcript NM_022552.5 (MANE Select); coding-DNA position 1243, one base deleted (C; older notation c.1243delC).
Protein change: p.Gln415fs; shifts the reading frame from glutamine 415.
Molecular consequence: frameshift variant. On other transcripts: non-coding transcript variant (1).
Genome position (GRCh38, 1-based): chr2:25,246,656, G deleted on the plus strand (C on the coding strand, the reverse complement: DNMT3A is on the minus strand); the first of 2 consecutive G bases (chr2:25,246,656-25,246,657); deleting either gives the same sequence. VCF-style (leftmost placement, unchanged base first): chr2-25246655-TG-T. GRCh37 (hg19) VCF-style: chr2-25469524-TG-T.
Other names: c.1243delC (NM_175629.2); c.787del, p.Gln263fs (NM_001320893.1); c.574del, p.Gln192fs (NM_001375819.1); c.676del, p.Gln226fs (NM_153759.3); c.1243del, p.Gln415fs (NM_175629.2); short protein forms Q263fs, Q226fs, Q415fs, Q192fs.
Identifiers: ClinVar variation 574227 (VCV000574227.1), dbSNP rs1558669964, ClinGen allele CA891843221.